The following is an entry in ClinVar:

ClinVar aggregate classification (germline): Uncertain significance (1 of 4 stars; one submission).

Conditions:
KBG syndrome (KBGS). Also called: ANKRD11-Related KBG Syndrome. Identifiers: Orphanet 2332, MedGen C0220687, MONDO:0007846, OMIM 148050.

gnomAD v4.1: 5 of 1,606,648 alleles (0.00031%); highest among the groups gnomAD compares: Non-Finnish European, 0.00043%; no homozygotes.

Submission:

Labcorp Genetics (formerly Invitae), Labcorp
Classification: Uncertain significance for KBG syndrome. Last evaluated: 2024-07-31. Review status: criteria provided, single submitter. Criteria: Invitae Variant Classification Sherloc (09022015). Collection method: clinical testing. Allele origin: germline.
Comment: This sequence change replaces proline, which is neutral and non-polar, with arginine, which is basic and polar, at codon 1827 of the ANKRD11 protein (p.Pro1827Arg). This variant is present in population databases (rs778780920, gnomAD 0.0009%). This variant has not been reported in the literature in individuals affected with ANKRD11-related conditions. Advanced modeling of protein sequence and biophysical properties (such as structural, functional, and spatial information, amino acid conservation, physicochemical variation, residue mobility, and thermodynamic stability) performed at Invitae indicates that this missense variant is not expected to disrupt ANKRD11 protein function with a negative predictive value of 95%. In summary, the available evidence is currently insufficient to determine the role of this variant in disease. Therefore, it has been classified as a Variant of Uncertain Significance.

NM_013275.6(ANKRD11):c.5480C>G (p.Pro1827Arg)

Gene: ANKRD11 (ankyrin repeat domain 11; minus strand). Cytogenetic location: 16q24.3.
Variant type: single nucleotide variant.
Coding change: c.5480C>G on transcript NM_013275.6 (MANE Select); coding-DNA position 5480, C replaced by G.
Protein change: p.Pro1827Arg; replaces proline 1827 with arginine.
Molecular consequence: missense variant.
Genome position (GRCh38, 1-based): chr16:89,281,062, G>C on the plus strand (C>G on the coding strand, the complement: ANKRD11 is on the minus strand). VCF-style: chr16-89281062-G-C. GRCh37 (hg19) VCF-style: chr16-89347470-G-C.
Other names: c.5480C>G, p.Pro1827Arg (NM_001256182.2, NM_001256183.2); short protein forms P1827R.
Identifiers: ClinVar variation 3715105 (VCV003715105.2).